The following is an entry in ClinVar:

NM_001288705.3(CSF1R):c.1837G>A (p.Val613Met)

Gene: CSF1R (colony stimulating factor 1 receptor; minus strand). Cytogenetic location: 5q32.
Variant type: single nucleotide variant.
Coding change: c.1837G>A on transcript NM_001288705.3 (MANE Select); coding-DNA position 1837, G replaced by A.
Protein change: p.Val613Met; replaces valine 613 with methionine.
Molecular consequence: missense variant. On other transcripts: non-coding transcript variant (2).
Genome position (GRCh38, 1-based): chr5:150,061,512, C>T on the plus strand (G>A on the coding strand, the complement: CSF1R is on the minus strand). VCF-style: chr5-150061512-C-T. GRCh37 (hg19) VCF-style: chr5-149441075-C-T.
Other names: c.1837G>A, p.Val613Met (NM_001349736.2, NM_001375320.1, NM_005211.4); c.1393G>A, p.Val465Met (NM_001375321.1); short protein forms V465M, V613M.
Identifiers: ClinVar variation 4853940 (VCV004853940.1).

ClinVar aggregate classification (germline): Likely pathogenic (1 of 4 stars; one submission).

Conditions:
Leukoencephalopathy, diffuse hereditary, with spheroids 1 (HDLS1). Also called: CSF1R-related adult-onset leukoencephalopathy with axonal spheroids and pigmented glia; DEMENTIA, FAMILIAL, NEUMANN TYPE; SUBCORTICAL GLIOSIS OF NEUMANN. Identifiers: Orphanet 313808, MedGen C5561929, MONDO:0800027, OMIM 221820.

gnomAD v4.1: 1 of 1,613,076 alleles (0.000062%); highest among the groups gnomAD compares: Non-Finnish European, 0.000085%; no homozygotes.

Submission:

3billion
Classification: Likely pathogenic for Leukoencephalopathy, diffuse hereditary, with spheroids 1. Last evaluated: 2026-01-14. Review status: criteria provided, single submitter. Criteria: ACMG Guidelines, 2015. Collection method: clinical testing. Allele origin: germline. Affected: yes.
Comment: The variant is observed at an extremely low frequency in the gnomAD v4.1.0 dataset (total allele frequency: <0.001%). Predicted Consequence/Location: Missense variant In silico tool predictions suggest damaging effect of the variant on gene or gene product [REVEL: 0.91 (>=0.6, sensitivity 0.68 and specificity 0.92)]. The same nucleotide change resulting in the same amino acid change has been previously reported to be associated with CSF1R-related disorder (PMID: 39031193). The variant has been observed in at least two similarly affected unrelated individuals (PMID: 39031193). A different missense change at the same codon (p.Val613Leu) has been reported to be associated with CSF1R-related disorder (PMID: 34422984). Therefore, this variant is classified as Likely pathogenic according to the recommendation of ACMG/AMP guideline.

Literature cited by the submitters: PubMed 39031193; PubMed 34422984.